The following is an entry in ClinVar:

ClinVar aggregate classification (germline): Uncertain significance (1 of 4 stars; one submission).

gnomAD v4.1: 16 of 1,614,098 alleles (0.00099%); highest among the groups gnomAD compares: East Asian, 0.013%; no homozygotes.

Submission:

Labcorp Genetics (formerly Invitae), Labcorp
Classification: Uncertain significance. Last evaluated: 2024-05-14. Review status: criteria provided, single submitter. Criteria: Invitae Variant Classification Sherloc (09022015). Collection method: clinical testing. Allele origin: germline.
Comment: This sequence change replaces glutamine, which is neutral and polar, with proline, which is neutral and non-polar, at codon 1126 of the TTC37 protein (p.Gln1126Pro). This variant is present in population databases (rs368521394, gnomAD 0.01%). This variant has not been reported in the literature in individuals affected with TTC37-related conditions. An algorithm developed to predict the effect of missense changes on protein structure and function (PolyPhen-2) suggests that this variant is likely to be disruptive. In summary, the available evidence is currently insufficient to determine the role of this variant in disease. Therefore, it has been classified as a Variant of Uncertain Significance.

NM_014639.4(SKIC3):c.3377A>C (p.Gln1126Pro)

Gene: SKIC3 (SKI3 subunit of superkiller complex; minus strand). Cytogenetic location: 5q15.
Variant type: single nucleotide variant.
Coding change: c.3377A>C on transcript NM_014639.4 (MANE Select); coding-DNA position 3377, A replaced by C.
Protein change: p.Gln1126Pro; replaces glutamine 1126 with proline.
Molecular consequence: missense variant.
Genome position (GRCh38, 1-based): chr5:95,498,556, T>G on the plus strand (A>C on the coding strand, the complement: SKIC3 is on the minus strand). VCF-style: chr5-95498556-T-G. GRCh37 (hg19) VCF-style: chr5-94834260-T-G.
Other names: short protein forms Q1126P.
Identifiers: ClinVar variation 3715201 (VCV003715201.2).